The following is an entry in ClinVar:

NM_000487.6(ARSA):c.781G>A (p.Gly261Arg)

Gene: ARSA (arylsulfatase A; minus strand). Cytogenetic location: 22q13.33.
Variant type: single nucleotide variant.
Coding change: c.781G>A on transcript NM_000487.6 (MANE Select); coding-DNA position 781, G replaced by A.
Protein change: p.Gly261Arg; replaces glycine 261 with arginine.
Molecular consequence: missense variant.
Genome position (GRCh38, 1-based): chr22:50,626,664, C>T on the plus strand (G>A on the coding strand, the complement: ARSA is on the minus strand). VCF-style: chr22-50626664-C-T. GRCh37 (hg19) VCF-style: chr22-51065092-C-T.
Other names: c.781G>A, p.Gly261Arg (NM_001085425.3, NM_001085426.3, NM_001085427.3); c.523G>A, p.Gly175Arg (NM_001085428.3, NM_001362782.2); short protein forms G261R, G175R.
Identifiers: ClinVar variation 953914 (VCV000953914.7), dbSNP rs138850940, ClinGen allele CA10324923.

ClinVar aggregate classification (germline): Uncertain significance (1 of 4 stars; one submission).

Conditions:
Metachromatic leukodystrophy (MLD). Also called: METACHROMATIC LEUKOENCEPHALOPATHY; Arylsulfatase A Deficiency; SULFATIDE LIPIDOSIS; ARSA DEFICIENCY; CEREBROSIDE SULFATASE DEFICIENCY; Cerebral sclerosis diffuse metachromatic form. Identifiers: Orphanet 512, MedGen C0023522, MONDO:0018868, OMIM 250100.

Allele frequency attached by ClinVar (database versions not stated): TOPMed below 0.00001; ExAC 0.00002; ESP Exome Variant Server 0.00008.

Submission:

Labcorp Genetics (formerly Invitae), Labcorp
Classification: Uncertain significance for Metachromatic leukodystrophy. Last evaluated: 2021-08-28. Review status: criteria provided, single submitter. Criteria: Invitae Variant Classification Sherloc (09022015). Collection method: clinical testing. Allele origin: germline.
Comment: This sequence change replaces glycine with arginine at codon 261 of the ARSA protein (p.Gly261Arg). The glycine residue is highly conserved and there is a moderate physicochemical difference between glycine and arginine. This variant is present in population databases (rs138850940, ExAC 0.003%). This variant has not been reported in the literature in individuals affected with ARSA-related conditions. Algorithms developed to predict the effect of missense changes on protein structure and function (SIFT, PolyPhen-2, Align-GVGD) all suggest that this variant is likely to be disruptive. In summary, the available evidence is currently insufficient to determine the role of this variant in disease. Therefore, it has been classified as a Variant of Uncertain Significance.